The following is an entry in ClinVar:

NM_000321.3(RB1):c.1142C>T (p.Thr381Ile)

Gene: RB1 (RB transcriptional corepressor 1; plus strand). Cytogenetic location: 13q14.2.
Variant type: single nucleotide variant.
Coding change: c.1142C>T on transcript NM_000321.3 (MANE Select); coding-DNA position 1142, C replaced by T.
Protein change: p.Thr381Ile; replaces threonine 381 with isoleucine.
Molecular consequence: missense variant.
Genome position (GRCh38, 1-based): chr13:48,373,419, C>T. VCF-style: chr13-48373419-C-T. GRCh37 (hg19) VCF-style: chr13-48947555-C-T.
Other names: c.1142C>T, p.Thr381Ile (NM_001407165.1, NM_001407166.1); short protein forms T381I.
Identifiers: ClinVar variation 1731622 (VCV001731622.6), dbSNP rs2138130952, ClinGen allele CA388161460.

ClinVar aggregate classification (germline): Uncertain significance. Review status: criteria provided, multiple submitters, no conflicts (2 of 4 stars). 2 submissions from 2 submitters: Uncertain significance (2). Last evaluated 2025-11-26.

Conditions:
Hereditary cancer-predisposing syndrome. Also called: Neoplastic Syndromes, Hereditary; Tumor predisposition; Hereditary Cancer Syndrome; Hereditary neoplastic syndrome. Identifiers: Orphanet 140162, MedGen C0027672, MeSH D009386, MONDO:0015356.
Retinoblastoma (RB1). Also called: RETINOBLASTOMA, SOMATIC. Identifiers: Orphanet 790, MedGen C0035335, MeSH D012175, MONDO:0008380, OMIM 180200, HP:0009919. Disease mechanism: loss of function. Inheritance: Both sporadic and heritable forms are tested..

Allele frequency attached by ClinVar (database versions not stated): gnomAD exomes below 0.00001.
gnomAD v4.1: 2 of 1,592,694 alleles (0.00013%); highest among the groups gnomAD compares: South Asian, 0.0011%; no homozygotes.

Submissions (2):

Labcorp Genetics (formerly Invitae), Labcorp
Classification: Uncertain significance for Retinoblastoma. Last evaluated: 2025-11-26. Review status: criteria provided, single submitter. Criteria: Invitae Variant Classification Sherloc (09022015). Collection method: clinical testing. Allele origin: germline.
Comment: This sequence change replaces threonine, which is neutral and polar, with isoleucine, which is neutral and non-polar, at codon 381 of the RB1 protein (p.Thr381Ile). This variant is not present in population databases (gnomAD no frequency). This variant has not been reported in the literature in individuals affected with RB1-related conditions. ClinVar contains an entry for this variant (Variation ID: 1731622). Invitae Evidence Modeling of protein sequence and biophysical properties (such as structural, functional, and spatial information, amino acid conservation, physicochemical variation, residue mobility, and thermodynamic stability) indicates that this missense variant is not expected to disrupt RB1 protein function with a negative predictive value of 80%. In summary, the available evidence is currently insufficient to determine the role of this variant in disease. Therefore, it has been classified as a Variant of Uncertain Significance.

Ambry Genetics
Classification: Uncertain significance for Hereditary cancer-predisposing syndrome. Last evaluated: 2025-02-19. Review status: criteria provided, single submitter. Criteria: Ambry Variant Classification Scheme 2023. Collection method: clinical testing. Allele origin: germline.
Comment: The p.T381I variant (also known as c.1142C>T), located in coding exon 12 of the RB1 gene, results from a C to T substitution at nucleotide position 1142. The threonine at codon 381 is replaced by isoleucine, an amino acid with similar properties. This amino acid position is conserved. In addition, the in silico prediction for this alteration is inconclusive. Since supporting evidence is limited at this time, the clinical significance of this alteration remains unclear.